The following is an entry in ClinVar:

NM_001080517.3(SETD5):c.2406G>T (p.Glu802Asp)

Gene: SETD5 (SET domain containing 5; plus strand). Cytogenetic location: 3p25.3.
Variant type: single nucleotide variant.
Coding change: c.2406G>T on transcript NM_001080517.3 (MANE Select); coding-DNA position 2406, G replaced by T.
Protein change: p.Glu802Asp; replaces glutamic acid 802 with aspartic acid.
Molecular consequence: missense variant.
Genome position (GRCh38, 1-based): chr3:9,453,798, G>T. VCF-style: chr3-9453798-G-T. GRCh37 (hg19) VCF-style: chr3-9495482-G-T.
Other names: c.2112G>T, p.Glu704Asp (NM_001292043.2, NM_001349451.2); c.2406G>T (NM_001080517.2); short protein forms E802D, E704D.
Identifiers: ClinVar variation 2201004 (VCV002201004.6), dbSNP rs775206155, ClinGen allele CA2239440.

ClinVar aggregate classification (germline): Likely benign. Review status: criteria provided, single submitter (1 of 4 stars). 2 submissions from 2 submitters: Likely benign (1). 1 of the submissions does not count toward it. Last evaluated 2025-12-21.

Conditions:
SETD5-related disorder. Also called: SETD5-related disorders; SETD5-related condition.

Allele frequency attached by ClinVar (database versions not stated): gnomAD 0.00002; ExAC 0.00004; TOPMed 0.00005.
gnomAD v4.1: 15 of 1,610,070 alleles (0.00093%); highest among the groups gnomAD compares: Admixed American, 0.026%; no homozygotes.

Submissions (2):

Labcorp Genetics (formerly Invitae), Labcorp
Classification: Likely benign. Last evaluated: 2025-12-21. Review status: criteria provided, single submitter. Criteria: Invitae Variant Classification Sherloc (09022015). Collection method: clinical testing. Allele origin: germline.

PreventionGenetics, part of Exact Sciences
Classification: Uncertain significance for SETD5-related condition. Last evaluated: 2023-10-26. Review status: no assertion criteria provided. Collection method: clinical testing. Allele origin: germline. Not counted in ClinVar's aggregate classification.
Comment: The SETD5 c.2406G>T variant is predicted to result in the amino acid substitution p.Glu802Asp. To our knowledge, this variant has not been reported in the literature. This variant is reported in 0.041% of alleles in individuals of Latino descent in gnomAD. At this time, the clinical significance of this variant is uncertain due to the absence of conclusive functional and genetic evidence.